The following is an entry in ClinVar:

NM_002529.4(NTRK1):c.1738A>T (p.Thr580Ser)

Gene: NTRK1 (neurotrophic receptor tyrosine kinase 1; plus strand). Cytogenetic location: 1q23.1.
Variant type: single nucleotide variant.
Coding change: c.1738A>T on transcript NM_002529.4 (MANE Select); coding-DNA position 1738, A replaced by T.
Protein change: p.Thr580Ser; replaces threonine 580 with serine.
Molecular consequence: missense variant.
Genome position (GRCh38, 1-based): chr1:156,876,505, A>T. VCF-style: chr1-156876505-A-T. GRCh37 (hg19) VCF-style: chr1-156846297-A-T.
Other names: c.1630A>T, p.Thr544Ser (NM_001007792.1); c.1720A>T, p.Thr574Ser (NM_001012331.2); short protein forms T574S, T580S, T544S.
Identifiers: ClinVar variation 581195 (VCV000581195.9), dbSNP rs764541952, ClinGen allele CA1169453.

ClinVar aggregate classification (germline): Uncertain significance. Review status: criteria provided, single submitter (1 of 4 stars). 2 submissions from 2 submitters: Uncertain significance (1). 1 of the submissions does not count toward it. Last evaluated 2022-07-19.

Conditions:
Hereditary insensitivity to pain with anhidrosis (CIPA). Also called: INSENSITIVITY TO PAIN, CONGENITAL, WITH ANHIDROSIS; NEUROPATHY, CONGENITAL SENSORY, WITH ANHIDROSIS; HSAN Type IV; NTRK1 Congenital Insensitivity to Pain with Anhidrosis; hereditary sensory and autonomic neuropathy type 4; FAMILIAL DYSAUTONOMIA, TYPE II. Identifiers: Orphanet 642, MedGen C0020074, MONDO:0009746, OMIM 256800.

Allele frequency attached by ClinVar (database versions not stated): gnomAD exomes 0.00001; ExAC 0.00003.
gnomAD v4.1: 6 of 1,613,666 alleles (0.00037%); highest among the groups gnomAD compares: Non-Finnish European, 0.00051%; no homozygotes.

Submissions (2):

Labcorp Genetics (formerly Invitae), Labcorp
Classification: Uncertain significance for Hereditary insensitivity to pain with anhidrosis. Last evaluated: 2022-07-19. Review status: criteria provided, single submitter. Criteria: Invitae Variant Classification Sherloc (09022015). Collection method: clinical testing. Allele origin: germline.
Comment: This sequence change replaces threonine, which is neutral and polar, with serine, which is neutral and polar, at codon 574 of the NTRK1 protein (p.Thr574Ser). This variant is present in population databases (rs764541952, gnomAD 0.003%). This variant has not been reported in the literature in individuals affected with NTRK1-related conditions. ClinVar contains an entry for this variant (Variation ID: 581195). Advanced modeling of protein sequence and biophysical properties (such as structural, functional, and spatial information, amino acid conservation, physicochemical variation, residue mobility, and thermodynamic stability) performed at Invitae indicates that this missense variant is not expected to disrupt NTRK1 protein function. In summary, the available evidence is currently insufficient to determine the role of this variant in disease. Therefore, it has been classified as a Variant of Uncertain Significance.

Natera, Inc.
Classification: Uncertain significance for Hereditary insensitivity to pain with anhidrosis. Last evaluated: 2019-11-11. Review status: no assertion criteria provided. Collection method: clinical testing. Allele origin: germline. Not counted in ClinVar's aggregate classification.